The following is an entry in ClinVar:

ClinVar aggregate classification (germline): Benign/Likely benign. Review status: criteria provided, multiple submitters, no conflicts (2 of 4 stars). 12 submissions from 12 submitters: Benign (1); Likely benign (7). 4 of the submissions do not count toward it. Last evaluated 2026-01-10.

Conditions:
Connective tissue disorder. Also called: Connective tissue disease. Identifiers: MedGen C0009782, MONDO:0003900.
Familial thoracic aortic aneurysm and aortic dissection (TAAD). Also called: Thoracic aortic aneurysms and dissections. Identifiers: Orphanet 91387, MedGen C4707243, MONDO:0019625.
Marfan syndrome (MFS). Also called: Marfan syndrome, classic; Marfan syndrome type 1; Marfan's syndrome; MARFAN SYNDROME, TYPE I; FBN1-Related Marfan Syndrome. Identifiers: Orphanet 284963, Orphanet 558, MedGen C0024796, MONDO:0007947, OMIM 154700.
FBN1-related disorder. Also called: FBN1-related disorders.

Allele frequency attached by ClinVar (database versions not stated): TOPMed 0.00011; ESP Exome Variant Server 0.00031; gnomAD 0.00013; ExAC 0.00017.
gnomAD v4.1: 136 of 1,613,792 alleles (0.0084%); highest among the groups gnomAD compares: Non-Finnish European, 0.011%; no homozygotes.

Submissions (12):

Labcorp Genetics (formerly Invitae), Labcorp
Classification: Likely benign for Marfan syndrome; Familial thoracic aortic aneurysm and aortic dissection. Last evaluated: 2026-01-10. Review status: criteria provided, single submitter. Criteria: Invitae Variant Classification Sherloc (09022015). Collection method: clinical testing. Allele origin: germline.

All of Us Research Program, National Institutes of Health
Classification: Likely benign for Marfan syndrome. Last evaluated: 2024-02-05. Review status: criteria provided, single submitter. Criteria: ACMG Guidelines, 2015. Collection method: clinical testing. Allele origin: germline. Inheritance: Autosomal dominant inheritance. Observed: 19 variant alleles, 19 heterozygotes.
Comment: This study involves interpretation of variants in research participants for the purpose of population health screening. Participant phenotype was not available at the time of variant classification. Additional details can be found in publication PMID: 35346344, PMCID: PMC8962531

Blueprint Genetics
Classification: Likely benign. Last evaluated: 2023-10-23. Review status: criteria provided, single submitter. Criteria: ACMG Guidelines, 2015. Collection method: clinical testing. Allele origin: germline.

ARUP Laboratories, Molecular Genetics and Genomics, ARUP Laboratories
Classification: Likely benign. Last evaluated: 2021-09-18. Review status: criteria provided, single submitter. Criteria: ARUP Molecular Germline Variant Investigation Process 2021. Collection method: clinical testing. Allele origin: germline.

Ambry Genetics
Classification: Likely benign for Familial thoracic aortic aneurysm and aortic dissection. Last evaluated: 2021-06-22. Review status: criteria provided, single submitter. Criteria: Ambry Variant Classification Scheme 2023. Collection method: clinical testing. Allele origin: germline.

Color Diagnostics, LLC DBA Color Health
Classification: Likely benign for Familial thoracic aortic aneurysm and aortic dissection. Last evaluated: 2019-07-09. Review status: criteria provided, single submitter. Criteria: ACMG Guidelines, 2015. Collection method: clinical testing. Allele origin: germline.

Center for Human Genetics, Inc
Classification: Likely benign for Connective tissue disorder. Last evaluated: 2016-11-01. Review status: criteria provided, single submitter. Criteria: ACMG Guidelines, 2015. Collection method: clinical testing. Allele origin: germline. Affected: yes.

GeneDx
Classification: Benign. Last evaluated: 2015-03-20. Review status: criteria provided, single submitter. Criteria: GeneDx Variant Classification (06012015). Collection method: clinical testing. Allele origin: germline. Affected: yes.
Comment: This variant is considered likely benign or benign based on one or more of the following criteria: it is a conservative change, it occurs at a poorly conserved position in the protein, it is predicted to be benign by multiple in silico algorithms, and/or has population frequency not consistent with disease.

PreventionGenetics, part of Exact Sciences
Classification: Likely benign for FBN1-related condition. Last evaluated: 2019-02-27. Review status: no assertion criteria provided. Collection method: clinical testing. Allele origin: germline. Not counted in ClinVar's aggregate classification.
Comment: This variant is classified as likely benign based on ACMG/AMP sequence variant interpretation guidelines (Richards et al. 2015 PMID: 25741868, with internal and published modifications).

Clinical Genetics DNA and cytogenetics Diagnostics Lab, Erasmus MC, Erasmus Medical Center
Classification: Likely benign. Review status: no assertion criteria provided. Collection method: clinical testing. Allele origin: germline. Affected: yes. Study: VKGL Data-share Consensus. Not counted in ClinVar's aggregate classification.

Genome Diagnostics Laboratory, Amsterdam University Medical Center
Classification: Likely benign. Review status: no assertion criteria provided. Collection method: clinical testing. Allele origin: germline. Affected: yes. Study: VKGL Data-share Consensus. Not counted in ClinVar's aggregate classification.

Genome Diagnostics Laboratory, University Medical Center Utrecht
Classification: Likely benign. Review status: no assertion criteria provided. Collection method: clinical testing. Allele origin: germline. Affected: yes. Study: VKGL Data-share Consensus. Not counted in ClinVar's aggregate classification.

NM_000138.5(FBN1):c.8232G>A (p.Gln2744=)

Gene: FBN1 (fibrillin 1; minus strand). Cytogenetic location: 15q21.1.
Variant type: single nucleotide variant.
Coding change: c.8232G>A on transcript NM_000138.5 (MANE Select); coding-DNA position 8232, G replaced by A.
Protein change: p.Gln2744=; no amino-acid change (glutamine 2744 retained).
Molecular consequence: synonymous variant.
Genome position (GRCh38, 1-based): chr15:48,411,374, C>T on the plus strand (G>A on the coding strand, the complement: FBN1 is on the minus strand). VCF-style: chr15-48411374-C-T. GRCh37 (hg19) VCF-style: chr15-48703571-C-T.
Identifiers: ClinVar variation 377863 (VCV000377863.28), dbSNP rs376119827, ClinGen allele CA059866.